The following is an entry in ClinVar:

NM_000051.4(ATM):c.1523T>C (p.Leu508Pro)

Gene: ATM (ATM serine/threonine kinase; plus strand). Cytogenetic location: 11q22.3.
Variant type: single nucleotide variant.
Coding change: c.1523T>C on transcript NM_000051.4 (MANE Select); coding-DNA position 1523, T replaced by C.
Protein change: p.Leu508Pro; replaces leucine 508 with proline.
Molecular consequence: missense variant.
Genome position (GRCh38, 1-based): chr11:108,250,988, T>C. VCF-style: chr11-108250988-T-C. GRCh37 (hg19) VCF-style: chr11-108121715-T-C.
Other names: c.1523T>C, p.Leu508Pro (NM_001351834.2); short protein forms L508P.
Identifiers: ClinVar variation 631324 (VCV000631324.11), dbSNP rs1565383502, ClinGen allele CA382534282.

ClinVar aggregate classification (germline): Uncertain significance. Review status: criteria provided, multiple submitters, no conflicts (2 of 4 stars). 4 submissions from 4 submitters: Uncertain significance (4). Last evaluated 2025-03-07.

Conditions:
Hereditary cancer-predisposing syndrome. Also called: Hereditary Cancer Syndrome; Neoplastic Syndromes, Hereditary; Tumor predisposition; Hereditary neoplastic syndrome. Identifiers: Orphanet 140162, MedGen C0027672, MeSH D009386, MONDO:0015356.
Ataxia-telangiectasia syndrome (AT). Also called: Ataxia-telangiectasia, complementation group D; AT, COMPLEMENTATION GROUP C; Ataxia-telangiectasia; ATAXIA-TELANGIECTASIA, COMPLEMENTATION GROUP A; ATAXIA-TELANGIECTASIA, FRESNO VARIANT; LOUIS-BAR SYNDROME. Identifiers: Orphanet 100, MedGen C0004135, MONDO:0008840, OMIM 208900.

Submissions (4):

GeneDx
Classification: Uncertain significance. Last evaluated: 2025-03-07. Review status: criteria provided, single submitter. Criteria: GeneDx Variant Classification Process June 2021. Collection method: clinical testing. Allele origin: germline. Affected: yes.
Comment: Not observed at significant frequency in large population cohorts (gnomAD); In silico analysis supports that this missense variant has a deleterious effect on protein structure/function; Has not been previously published as pathogenic or benign to our knowledge

Ambry Genetics
Classification: Uncertain significance for Hereditary cancer-predisposing syndrome. Last evaluated: 2024-05-04. Review status: criteria provided, single submitter. Criteria: Ambry Variant Classification Scheme 2023. Collection method: clinical testing. Allele origin: germline.
Comment: The p.L508P variant (also known as c.1523T>C), located in coding exon 9 of the ATM gene, results from a T to C substitution at nucleotide position 1523. The leucine at codon 508 is replaced by proline, an amino acid with similar properties. This amino acid position is conserved. In addition, this alteration is predicted to be deleterious by in silico analysis. Based on the available evidence, the clinical significance of this variant remains unclear.

Labcorp Genetics (formerly Invitae), Labcorp
Classification: Uncertain significance for Ataxia-telangiectasia syndrome. Last evaluated: 2021-08-31. Review status: criteria provided, single submitter. Criteria: Invitae Variant Classification Sherloc (09022015). Collection method: clinical testing. Allele origin: germline.
Comment: This sequence change replaces leucine with proline at codon 508 of the ATM protein (p.Leu508Pro). The leucine residue is highly conserved and there is a moderate physicochemical difference between leucine and proline. This variant is not present in population databases (ExAC no frequency). This variant has not been reported in the literature in individuals affected with ATM-related conditions. ClinVar contains an entry for this variant (Variation ID: 631324). Advanced modeling of protein sequence and biophysical properties (such as structural, functional, and spatial information, amino acid conservation, physicochemical variation, residue mobility, and thermodynamic stability) performed at Invitae indicates that this missense variant is not expected to disrupt ATM protein function. In summary, the available evidence is currently insufficient to determine the role of this variant in disease. Therefore, it has been classified as a Variant of Uncertain Significance.

Color Diagnostics, LLC DBA Color Health
Classification: Uncertain significance for Hereditary cancer-predisposing syndrome. Last evaluated: 2019-06-07. Review status: criteria provided, single submitter. Criteria: ACMG Guidelines, 2015. Collection method: clinical testing. Allele origin: germline.